The following is an entry in ClinVar:

NM_005120.3(MED12):c.130G>C (p.Gly44Arg)

Gene: MED12 (mediator complex subunit 12; plus strand). Cytogenetic location: Xq13.1.
Variant type: single nucleotide variant.
Coding change: c.130G>C on transcript NM_005120.3 (MANE Select); coding-DNA position 130, G replaced by C.
Protein change: p.Gly44Arg; replaces glycine 44 with arginine.
Molecular consequence: missense variant.
Genome position (GRCh38, 1-based): chrX:71,119,403, G>C. VCF-style: chrX-71119403-G-C. GRCh37 (hg19) VCF-style: chrX-70339253-G-C.
Other names: short protein forms G44R.
Identifiers: ClinVar variation 92218 (VCV000092218.2), dbSNP rs199469669, ClinGen allele CA145565.
Genomic context (GRCh38, chrX:71,119,403, plus strand): 5'-AAACAACTAAACGCCGCTTTCCTGCCTCAGGATGAACTGACGGCCTTGAATGTAAAACAA[G>C]GTTTCAATAACCAGCCTGCTGTCTCTGGGGATGAGCATGGCAGTGCCAAGAACGTCAGCT-3'
Protein context (NP_005111.2, residues 34-54): DELTALNVKQ[Gly44Arg]FNNQPAVSGD

ClinVar aggregate classification (germline): not provided (0 of 4 stars; one submission).

Conditions:
Uterine leiomyoma (UL). Also called: Uterine corpus leiomyoma. Identifiers: MedGen C0042133, MONDO:0007886, OMIM 150699, HP:0000131.

Submission:

Rajkovic Lab, University of Pittsburgh
No classification provided. Condition: Leiomyoma, uterine. Review status: no classification provided. Collection method: not provided. Allele origin: somatic.
ClinVar note: Converted during submission from Associated with leiomyomas to not provided.